The following is an entry in ClinVar:

NM_138962.4(MSI2):c.385T>C (p.Tyr129His)

Gene: MSI2 (musashi RNA binding protein 2; plus strand). Cytogenetic location: 17q22.
Variant type: single nucleotide variant.
Coding change: c.385T>C on transcript NM_138962.4 (MANE Select); coding-DNA position 385, T replaced by C.
Protein change: p.Tyr129His; replaces tyrosine 129 with histidine.
Molecular consequence: missense variant.
Genome position (GRCh38, 1-based): chr17:57,401,451, T>C. VCF-style: chr17-57401451-T-C. GRCh37 (hg19) VCF-style: chr17-55478812-T-C.
Other names: c.319T>C, p.Tyr107His (NM_001322250.2); c.385T>C, p.Tyr129His (NM_001322251.2); c.373T>C, p.Tyr125His (NM_170721.2); short protein forms Y107H, Y125H, Y129H.
Identifiers: ClinVar variation 2672111 (VCV002672111.1), dbSNP rs2544602620, ClinGen allele CA399973240.

ClinVar aggregate classification (germline): Uncertain significance (1 of 4 stars; one submission).

Submission:

Clinical Genomics Laboratory, Washington University in St. Louis
Classification: Uncertain significance. Last evaluated: 2023-08-30. Review status: criteria provided, single submitter. Criteria: ACMG Guidelines, 2015. Collection method: clinical testing. Allele origin: germline.
Comment: The MSI2 c.385T>C (p.Tyr129His) variant, to our knowledge, has not been reported in the medical literature and is absent from the general population (gnomAD v.2.1.1), indicating it is not a common variant. This variant occurs in a highly conserved RNA recognition motif in an alpha helix and changes a polar tyrosine to a positively charged histidine, and computational predictors indicate that the variant is damaging, evidence that correlates with impact to MSI2 function. Due to limited information, the clinical significance of this variant is uncertain.